The following is an entry in ClinVar:

ClinVar aggregate classification (germline): Pathogenic/Likely pathogenic. Review status: criteria provided, multiple submitters, no conflicts (2 of 4 stars). 3 submissions from 3 submitters: Pathogenic (2); Likely pathogenic (1). Last evaluated 2023-10-13.

Conditions:
Oculodentodigital dysplasia (ODDD). Also called: ODD SYNDROME; Oculodentodigital syndrome. Identifiers: Orphanet 2710, MedGen C0812437, MONDO:0008111, OMIM 164200.
Oculodentodigital dysplasia, autosomal recessive. Also called: OCULODENTOOSSEOUS DYSPLASIA, AUTOSOMAL RECESSIVE; ODDD, AUTOSOMAL RECESSIVE; ODOD, AUTOSOMAL RECESSIVE. Identifiers: Orphanet 2710, MedGen C2749477, MONDO:0009768, OMIM 257850.
GJA1-related disorders.

Submissions (3):

Blueprint Genetics
Classification: Pathogenic for GJA1-related disorders. Last evaluated: 2023-10-13. Review status: criteria provided, single submitter. Criteria: ACMG Guidelines, 2015. Collection method: clinical testing. Allele origin: germline. Affected: yes. Observed: 1 variant allele.

Labcorp Genetics (formerly Invitae), Labcorp
Classification: Likely pathogenic for Oculodentodigital dysplasia, autosomal recessive. Last evaluated: 2021-08-27. Review status: criteria provided, single submitter. Criteria: Invitae Variant Classification Sherloc (09022015). Collection method: clinical testing. Allele origin: germline.

Baylor Genetics
Classification: Pathogenic for Oculodentodigital dysplasia. Last evaluated: 2019-11-07. Review status: criteria provided, single submitter. Criteria: ACMG Guidelines, 2015. Collection method: clinical testing. Allele origin: unknown. Affected: yes.
Comment: This variant was determined to be pathogenic according to ACMG Guidelines, 2015 [PMID:25741868].

NM_000165.5(GJA1):c.142G>A (p.Glu48Lys)

Gene: GJA1 (gap junction protein alpha 1; plus strand). Cytogenetic location: 6q22.31.
Variant type: single nucleotide variant.
Coding change: c.142G>A on transcript NM_000165.5 (MANE Select); coding-DNA position 142, G replaced by A.
Protein change: p.Glu48Lys; replaces glutamic acid 48 with lysine.
Molecular consequence: missense variant.
Genome position (GRCh38, 1-based): chr6:121,446,989, G>A. VCF-style: chr6-121446989-G-A. GRCh37 (hg19) VCF-style: chr6-121768135-G-A.
Other names: short protein forms E48K.
Identifiers: ClinVar variation 1028586 (VCV001028586.6), dbSNP rs1773899790, ClinGen allele CA365558001.